The following is an entry in ClinVar:

ClinVar aggregate classification (germline): Likely benign (1 of 4 stars; one submission).

gnomAD v4.1: 2 of 1,232,186 alleles (0.00016%); highest among the groups gnomAD compares: Non-Finnish European, 0.0002%; no homozygotes.

Submission:

CeGaT Center for Human Genetics Tuebingen
Classification: Likely benign. Last evaluated: 2026-02-01. Review status: criteria provided, single submitter. Criteria: CeGaT Center For Human Genetics Tuebingen Variant Classification Criteria Version 2. Collection method: clinical testing. Allele origin: germline. Affected: yes. Observed: 1 variant allele.
Comment: TET3: BP4, BP7

NM_001287491.2(TET3):c.9G>A (p.Gln3=)

Gene: TET3 (tet methylcytosine dioxygenase 3; plus strand). Cytogenetic location: 2p13.1.
Variant type: single nucleotide variant.
Coding change: c.9G>A on transcript NM_001287491.2 (MANE Select); coding-DNA position 9, G replaced by A.
Protein change: p.Gln3=; no amino-acid change (glutamine 3 retained).
Molecular consequence: synonymous variant.
Genome position (GRCh38, 1-based): chr2:73,986,412, G>A. VCF-style: chr2-73986412-G-A. GRCh37 (hg19) VCF-style: chr2-74213539-G-A.
Identifiers: ClinVar variation 4823349 (VCV004823349.4).
Genomic context (GRCh38, chr2:73,986,412, plus strand): 5'-GAAACGACTGTGGTTCTGCCCCAGCACCTATGACCCCACCTCTGGCAGCATCATGAGCCA[G>A]TTTCAGGTGCCCCTGGCCGTCCAGCCGGACCTGCCAGGCCTTTATGACTTCCCTCAGCGC-3'
Protein context (NP_001274420.1, residues 1-13): MS[Gln3=]FQVPLAVQPD